The following is an entry in ClinVar:

ClinVar aggregate classification (germline): Uncertain significance (1 of 4 stars; one submission).

Conditions:
Xanthinuria type II. Also called: Xanthine dehydrogenase and aldehyde oxidase combined deficiency of; XDH and AOX dual deficiency. Identifiers: Orphanet 3467, Orphanet 93602, MedGen C1863688, MONDO:0011346, OMIM 603592.

Submission:

Labcorp Genetics (formerly Invitae), Labcorp
Classification: Uncertain significance for Xanthinuria type II. Last evaluated: 2025-11-10. Review status: criteria provided, single submitter. Criteria: Invitae Variant Classification Sherloc (09022015). Collection method: clinical testing. Allele origin: germline.
Comment: This sequence change falls in intron 29 of the XDH gene. It does not directly change the encoded amino acid sequence of the XDH protein. It affects a nucleotide within the consensus splice site. This variant is present in population databases (rs767762797, gnomAD 0.1%). This variant has not been reported in the literature in individuals affected with XDH-related conditions. ClinVar contains an entry for this variant (Variation ID: 860457). Variants that disrupt the consensus splice site are a relatively common cause of aberrant splicing (PMID: 17576681, 9536098). Algorithms developed to predict the effect of sequence changes on RNA splicing suggest that this variant is not likely to affect RNA splicing. In summary, the available evidence is currently insufficient to determine the role of this variant in disease. Therefore, it has been classified as a Variant of Uncertain Significance.

Literature cited by the submitters: PubMed 17576681; PubMed 9536098.

NM_000379.4(XDH):c.3277-3del

Gene: XDH (xanthine dehydrogenase; minus strand). Cytogenetic location: 2p23.1.
Variant type: Deletion.
Coding change: c.3277-3del on transcript NM_000379.4 (MANE Select); 3 bases into the intron before coding-DNA position 3277, one base deleted (T; older notation c.3277-3delT).
Molecular consequence: intron variant.
Genome position (GRCh38, 1-based): chr2:31,346,846, A deleted on the plus strand (T on the coding strand, the reverse complement: XDH is on the minus strand); the first of 3 consecutive A bases (chr2:31,346,846-31,346,848); deleting any one gives the same sequence. VCF-style (leftmost placement, unchanged base first): chr2-31346845-TA-T. GRCh37 (hg19) VCF-style: chr2-31569711-TA-T.
Identifiers: ClinVar variation 860457 (VCV000860457.8), dbSNP rs767762797, ClinGen allele CA1598449.